The following is an entry in ClinVar:

NM_207346.3(TSEN54):c.977A>C (p.Asn326Thr)

Gene: TSEN54 (tRNA splicing endonuclease subunit 54; plus strand). Cytogenetic location: 17q25.1.
Variant type: single nucleotide variant.
Coding change: c.977A>C on transcript NM_207346.3 (MANE Select); coding-DNA position 977, A replaced by C.
Protein change: p.Asn326Thr; replaces asparagine 326 with threonine.
Molecular consequence: missense variant.
Genome position (GRCh38, 1-based): chr17:75,522,058, A>C. VCF-style: chr17-75522058-A-C. GRCh37 (hg19) VCF-style: chr17-73518139-A-C.
Other names: short protein forms N326T.
Identifiers: ClinVar variation 1985737 (VCV001985737.3), dbSNP rs745690536, ClinGen allele CA294079238.
Genomic context (GRCh38, chr17:75,522,058, plus strand): 5'-TGGCTTCAGACAGCCGCCACACCCTTCTGCGCGCCCCAGCCCCAGAGCTGCTCCCGGCCA[A>C]CGTGGCTGGGCGGGAGACAGACGCTGAGTCCTGGTGCCAGAAGCTGAACCAGCGCAAGGA-3'
Protein context (NP_997229.2, residues 316-336): RAPAPELLPA[Asn326Thr]VAGRETDAES

ClinVar aggregate classification (germline): Uncertain significance (1 of 4 stars; one submission).

Allele frequency attached by ClinVar (database versions not stated): TOPMed below 0.00001.
gnomAD v4.1: 1 of 1,589,504 alleles (0.000063%); no homozygotes.

Submission:

Labcorp Genetics (formerly Invitae), Labcorp
Classification: Uncertain significance. Last evaluated: 2024-10-22. Review status: criteria provided, single submitter. Criteria: Invitae Variant Classification Sherloc (09022015). Collection method: clinical testing. Allele origin: germline.
Comment: This sequence change replaces asparagine, which is neutral and polar, with threonine, which is neutral and polar, at codon 326 of the TSEN54 protein (p.Asn326Thr). This variant is not present in population databases (gnomAD no frequency). This variant has not been reported in the literature in individuals affected with TSEN54-related conditions. ClinVar contains an entry for this variant (Variation ID: 1985737). Invitae Evidence Modeling of protein sequence and biophysical properties (such as structural, functional, and spatial information, amino acid conservation, physicochemical variation, residue mobility, and thermodynamic stability) has been performed for this missense variant. However, the output from this modeling did not meet the statistical confidence thresholds required to predict the impact of this variant on TSEN54 protein function. In summary, the available evidence is currently insufficient to determine the role of this variant in disease. Therefore, it has been classified as a Variant of Uncertain Significance.